The following is an entry in ClinVar:

ClinVar aggregate classification (germline): Uncertain significance (1 of 4 stars; one submission).

Conditions:
Fanconi anemia (FA). Also called: Fanconi's anemia. Identifiers: Orphanet 84, MedGen C0015625, MeSH D005199, MONDO:0019391.

Submission:

Labcorp Genetics (formerly Invitae), Labcorp
Classification: Uncertain significance for Fanconi anemia. Last evaluated: 2023-10-09. Review status: criteria provided, single submitter. Criteria: Invitae Variant Classification Sherloc (09022015). Collection method: clinical testing. Allele origin: germline.
Comment: This sequence change replaces alanine, which is neutral and non-polar, with valine, which is neutral and non-polar, at codon 1639 of the SLX4 protein (p.Ala1639Val). This variant is not present in population databases (gnomAD no frequency). This variant has not been reported in the literature in individuals affected with SLX4-related conditions. Algorithms developed to predict the effect of missense changes on protein structure and function output the following: SIFT: "Not Available"; PolyPhen-2: "Benign"; Align-GVGD: "Not Available". The valine amino acid residue is found in multiple mammalian species, which suggests that this missense change does not adversely affect protein function. Algorithms developed to predict the effect of sequence changes on RNA splicing suggest that this variant may create or strengthen a splice site. In summary, the available evidence is currently insufficient to determine the role of this variant in disease. Therefore, it has been classified as a Variant of Uncertain Significance.

NM_032444.4(SLX4):c.4916C>T (p.Ala1639Val)

Gene: SLX4 (SLX4 structure-specific endonuclease subunit; minus strand). Cytogenetic location: 16p13.3.
Variant type: single nucleotide variant.
Coding change: c.4916C>T on transcript NM_032444.4 (MANE Select); coding-DNA position 4916, C replaced by T.
Protein change: p.Ala1639Val; replaces alanine 1639 with valine.
Molecular consequence: missense variant.
Genome position (GRCh38, 1-based): chr16:3,583,334, G>A on the plus strand (C>T on the coding strand, the complement: SLX4 is on the minus strand). VCF-style: chr16-3583334-G-A. GRCh37 (hg19) VCF-style: chr16-3633335-G-A.
Other names: short protein forms A1639V.
Identifiers: ClinVar variation 2767123 (VCV002767123.3), dbSNP rs200899425, ClinGen allele CA394515117.